The following is an entry in ClinVar:

NM_002693.3(POLG):c.827C>A (p.Ala276Asp)

Gene: POLG (DNA polymerase gamma, catalytic subunit; minus strand). Cytogenetic location: 15q26.1.
Variant type: single nucleotide variant.
Coding change: c.827C>A on transcript NM_002693.3 (MANE Select); coding-DNA position 827, C replaced by A.
Protein change: p.Ala276Asp; replaces alanine 276 with aspartic acid.
Molecular consequence: missense variant.
Genome position (GRCh38, 1-based): chr15:89,330,109, G>T on the plus strand (C>A on the coding strand, the complement: POLG is on the minus strand). VCF-style: chr15-89330109-G-T. GRCh37 (hg19) VCF-style: chr15-89873340-G-T.
Other names: p.Ala276Asp; c.827C>A, p.Ala276Asp (NM_001126131.2); short protein forms A276D.
Identifiers: ClinVar variation 4541978 (VCV004541978.1).
Genomic context (GRCh38, chr15:89,330,109, plus strand): 5'-CCAGAACCTGCAGTTGGCCCCAGGAACCTTACCTGGATCAGGTACTGCTCCCTGATATGA[G>T]CTCGGTCAAAGGAAACATTGTGCCCCACCACTAACTGCTCCTGCCAGTCTCTCTGGGTGG-3'
Protein context (NP_002684.1, residues 266-286): VVGHNVSFDR[Ala276Asp]HIREQYLIQG

ClinVar aggregate classification (germline): Uncertain significance (1 of 4 stars; one submission).

Submission:

Mayo Clinic Laboratories, Mayo Clinic
Classification: Uncertain significance. Last evaluated: 2025-05-21. Review status: criteria provided, single submitter. Criteria: ACMG Guidelines, 2015. Collection method: clinical testing. Allele origin: germline. Observed: 1 variant allele.
Comment: PP3_moderate, PM2_supporting